The following is an entry in ClinVar:

ClinVar aggregate classification (germline): Benign/Likely benign. Review status: criteria provided, multiple submitters, no conflicts (2 of 4 stars). 10 submissions from 10 submitters: Benign (5); Likely benign (4). 1 of the submissions does not count toward it. Last evaluated 2026-02-02.

Conditions:
Familial colorectal cancer type X. Identifiers: Orphanet 440437, MedGen C3896578, MONDO:0018604.
Polymerase proofreading-related adenomatous polyposis. Also called: Polymerase proofreading associated polyposis; Polymerase proofreading–associated polyposis (PPAP). Identifiers: Orphanet 447877, MedGen C5202613, MONDO:0018653.
Hereditary cancer-predisposing syndrome. Also called: Hereditary Cancer Syndrome; Tumor predisposition; Hereditary neoplastic syndrome; Neoplastic Syndromes, Hereditary. Identifiers: Orphanet 140162, MedGen C0027672, MeSH D009386, MONDO:0015356.
Colorectal cancer, susceptibility to, 12 (CRCS12). Also called: COLORECTAL CANCER, SUSCEPTIBILITY TO, ON CHROMOSOME 12q24. Identifiers: Orphanet 220460, MedGen C3554460, MONDO:0014038, OMIM 615083.

Allele frequency attached by ClinVar (database versions not stated): ESP Exome Variant Server 0.00008; gnomAD 0.00019 and 0.00024; gnomAD exomes 0.00022 and 0.00042; 1000 Genomes Project 30x 0.00031; TOPMed 0.00032; ExAC 0.00037; 1000 Genomes Project 0.00040.
gnomAD v4.1: 341 of 1,573,916 alleles (0.022%); highest among the groups gnomAD compares: East Asian, 0.22%; 2 homozygotes.

Submissions (10):

Labcorp Genetics (formerly Invitae), Labcorp
Classification: Benign. Last evaluated: 2026-02-02. Review status: criteria provided, single submitter. Criteria: Invitae Variant Classification Sherloc (09022015). Collection method: clinical testing. Allele origin: germline.

Center for Genomic Medicine, Rigshospitalet, Copenhagen University Hospital
Classification: Likely benign. Last evaluated: 2025-03-04. Review status: criteria provided, single submitter. Criteria: ACMG Guidelines, 2015. Collection method: clinical testing. Allele origin: germline.

Blueprint Genetics
Classification: Likely benign. Last evaluated: 2024-10-28. Review status: criteria provided, single submitter. Criteria: ACMG Guidelines, 2015. Collection method: clinical testing. Allele origin: germline.

KCCC/NGS Laboratory, Kuwait Cancer Control Center
Classification: Benign for Colorectal cancer, susceptibility to, 12. Last evaluated: 2023-07-07. Review status: criteria provided, single submitter. Criteria: ACMG Guidelines, 2015. Collection method: clinical testing. Allele origin: germline. Affected: yes.

Women's Health and Genetics/Laboratory Corporation of America, LabCorp
Classification: Benign. Last evaluated: 2022-12-11. Review status: criteria provided, single submitter. Criteria: LabCorp Variant Classification Summary - May 2015. Collection method: clinical testing. Allele origin: germline.

Sema4
Classification: Benign for Hereditary cancer-predisposing syndrome. Last evaluated: 2020-12-07. Review status: criteria provided, single submitter. Criteria: Sema4 Curation Guidelines. Collection method: curation. Allele origin: germline.

Quest Diagnostics Nichols Institute San Juan Capistrano
Classification: Benign. Last evaluated: 2020-03-24. Review status: criteria provided, single submitter. Criteria: Quest Diagnostics criteria. Collection method: clinical testing. Allele origin: unknown.

Department of Pathology and Laboratory Medicine, Sinai Health System
Classification: Likely benign for Polymerase proofreading-related adenomatous polyposis; Familial colorectal cancer type X. Last evaluated: 2019-11-25. Review status: criteria provided, single submitter. Criteria: ACMG Guidelines, 2015. Collection method: clinical testing. Allele origin: germline. Affected: yes.

GeneDx
Classification: Likely benign. Last evaluated: 2017-07-31. Review status: criteria provided, single submitter. Criteria: GeneDx Variant Classification (06012015). Collection method: clinical testing. Allele origin: germline. Affected: yes.
Comment: This variant is considered likely benign or benign based on one or more of the following criteria: it is a conservative change, it occurs at a poorly conserved position in the protein, it is predicted to be benign by multiple in silico algorithms, and/or has population frequency not consistent with disease.

Counsyl
Classification: Likely benign for Colorectal cancer, susceptibility to, 12. Last evaluated: 2016-08-30. Review status: no assertion criteria provided. Collection method: clinical testing. Allele origin: unknown. Not counted in ClinVar's aggregate classification.

NM_006231.4(POLE):c.3378+10A>G

Gene: POLE (DNA polymerase epsilon, catalytic subunit; minus strand). Cytogenetic location: 12q24.33.
Variant type: single nucleotide variant.
Coding change: c.3378+10A>G on transcript NM_006231.4 (MANE Select); 10 bases into the intron after coding-DNA position 3378, A replaced by G.
Molecular consequence: intron variant.
Genome position (GRCh38, 1-based): chr12:132,657,858, T>C on the plus strand (A>G on the coding strand, the complement: POLE is on the minus strand). VCF-style: chr12-132657858-T-C. GRCh37 (hg19) VCF-style: chr12-133234444-T-C.
Identifiers: ClinVar variation 240464 (VCV000240464.25), dbSNP rs193075152, ClinGen allele CA6893266.